The following is an entry in ClinVar:

ClinVar aggregate classification (germline): Conflicting classifications of pathogenicity. Review status: criteria provided, conflicting classifications (1 of 4 stars). 6 submissions from 5 submitters: Uncertain significance (2); Benign (2); Likely benign (2). Last evaluated 2026-01-25.

Conditions:
Deficiency of steroid 11-beta-monooxygenase (CYP11B1). Also called: STEROID 11-BETA-HYDROXYLASE DEFICIENCY; Congenital adrenal hyperplasia due to 11-beta-hydroxylase deficiency; ADRENAL HYPERPLASIA, CONGENITAL, DUE TO STEROID 11-BETA-HYDROXYLASE DEFICIENCY; ADRENAL HYPERPLASIA IV; 11-BETA-HYDROXYLASE DEFICIENCY; P450C11B1 DEFICIENCY. Identifiers: Orphanet 90795, MedGen C0268292, MONDO:0008729, OMIM 202010. Disease mechanism: loss of function.
Glucocorticoid-remediable aldosteronism. Also called: Hyperaldosteronism, familial, type I; FH I; GLUCOCORTICOID-SUPPRESSIBLE HYPERALDOSTERONISM; ACTH-DEPENDENT HYPERALDOSTERONISM SYNDROME; ALDOSTERONISM, SENSITIVE TO DEXAMETHASONE. Identifiers: Orphanet 403, MedGen C3838731, MONDO:0007080, OMIM 103900.

Allele frequency attached by ClinVar (database versions not stated): ExAC 0.00071; 1000 Genomes Project 30x 0.00203; gnomAD 0.00218 and 0.00235; 1000 Genomes Project 0.00240; ESP Exome Variant Server 0.00246; TOPMed 0.00254.
gnomAD v4.1: 790 of 1,613,928 alleles (0.049%); highest among the groups gnomAD compares: African/African-American, 0.76%; 4 homozygotes.

Submissions (6):

Labcorp Genetics (formerly Invitae), Labcorp
Classification: Benign. Last evaluated: 2026-01-25. Review status: criteria provided, single submitter. Criteria: Invitae Variant Classification Sherloc (09022015). Collection method: clinical testing. Allele origin: germline.

Mayo Clinic Laboratories, Mayo Clinic
Classification: Likely benign. Last evaluated: 2025-09-24. Review status: criteria provided, single submitter. Criteria: ACMG Guidelines, 2015. Collection method: clinical testing. Allele origin: germline. Observed: 1 variant allele.
Comment: BS1

Women's Health and Genetics/Laboratory Corporation of America, LabCorp
Classification: Likely benign. Last evaluated: 2024-12-23. Review status: criteria provided, single submitter. Criteria: LabCorp Variant Classification Summary - May 2015. Collection method: clinical testing. Allele origin: germline.

Illumina Laboratory Services, Illumina
Classification: Benign for Glucocorticoid-remediable aldosteronism. Last evaluated: 2018-01-12. Review status: criteria provided, single submitter. Criteria: ICSL Variant Classification Criteria 13 December 2019. Collection method: clinical testing. Allele origin: germline.
Comment: This variant was observed in the ICSL laboratory as part of a predisposition screen in an ostensibly healthy population. It had not been previously curated by ICSL or reported in the Human Gene Mutation Database (HGMD: prior to June 1st, 2018), and was therefore a candidate for classification through an automated scoring system. Utilizing variant allele frequency, disease prevalence and penetrance estimates, and inheritance mode, an automated score was calculated to assess if this variant is too frequent to cause the disease. Based on the score and internal cut-off values, a variant classified as benign is not then subjected to further curation. The score for this variant resulted in a classification of benign for this disease.

Illumina Laboratory Services, Illumina
Classification: Uncertain significance for Deficiency of steroid 11-beta-monooxygenase. Last evaluated: 2018-01-12. Review status: criteria provided, single submitter. Criteria: ICSL Variant Classification Criteria 13 December 2019. Collection method: clinical testing. Allele origin: germline.

Genetic Services Laboratory, University of Chicago
Classification: Uncertain significance. Last evaluated: 2016-07-13. Review status: criteria provided, single submitter. Criteria: ACMG Guidelines, 2015. Collection method: clinical testing. Allele origin: germline. Affected: no.

NM_000497.4(CYP11B1):c.395+9C>T

Gene: CYP11B1 (cytochrome P450 family 11 subfamily B member 1; minus strand). Cytogenetic location: 8q24.3.
Variant type: single nucleotide variant.
Coding change: c.395+9C>T on transcript NM_000497.4 (MANE Select); 9 bases into the intron after coding-DNA position 395, C replaced by T.
Molecular consequence: intron variant.
Genome position (GRCh38, 1-based): chr8:142,879,023, G>A on the plus strand (C>T on the coding strand, the complement: CYP11B1 is on the minus strand). VCF-style: chr8-142879023-G-A. GRCh37 (hg19) VCF-style: chr8-143960439-G-A.
Other names: p.?; c.395+9C>T (NM_001026213.1).
Identifiers: ClinVar variation 434878 (VCV000434878.21), dbSNP rs61751140, ClinGen allele CA4905530.